The following is an entry in ClinVar:

ClinVar aggregate classification (germline): Uncertain significance. Review status: criteria provided, multiple submitters, no conflicts (2 of 4 stars). 2 submissions from 2 submitters: Uncertain significance (2). Last evaluated 2025-08-29.

Conditions:
Inborn genetic diseases. Identifiers: MedGen C0950123, MeSH D030342.
DOCK2 deficiency. Also called: Immunodeficiency 40. Identifiers: Orphanet 447737, MedGen C4225328, MONDO:0014637, OMIM 616433.

Allele frequency attached by ClinVar (database versions not stated): ExAC 0.00001; gnomAD 0.00001; gnomAD exomes 0.00001 and 0.00002; TOPMed 0.00002.
gnomAD v4.1: 12 of 1,613,850 alleles (0.00074%); highest among the groups gnomAD compares: Admixed American, 0.0067%; no homozygotes.

Submissions (2):

Ambry Genetics
Classification: Uncertain significance for Inborn genetic diseases. Last evaluated: 2025-08-29. Review status: criteria provided, single submitter. Criteria: Ambry Variant Classification Scheme 2023. Collection method: clinical testing. Allele origin: germline.

Labcorp Genetics (formerly Invitae), Labcorp
Classification: Uncertain significance for DOCK2 deficiency. Last evaluated: 2021-10-05. Review status: criteria provided, single submitter. Criteria: Invitae Variant Classification Sherloc (09022015). Collection method: clinical testing. Allele origin: germline.
Comment: In summary, the available evidence is currently insufficient to determine the role of this variant in disease. Therefore, it has been classified as a Variant of Uncertain Significance. Algorithms developed to predict the effect of missense changes on protein structure and function output the following: SIFT: "Tolerated"; PolyPhen-2: "Benign"; Align-GVGD: "Class C0". The isoleucine amino acid residue is found in multiple mammalian species, which suggests that this missense change does not adversely affect protein function. This variant has not been reported in the literature in individuals affected with DOCK2-related conditions. This variant is present in population databases (rs749664205, ExAC 0.006%). This sequence change replaces valine with isoleucine at codon 1453 of the DOCK2 protein (p.Val1453Ile). The valine residue is moderately conserved and there is a small physicochemical difference between valine and isoleucine.

NM_004946.3(DOCK2):c.4357G>A (p.Val1453Ile)

Gene: DOCK2 (dedicator of cytokinesis 2; plus strand). Cytogenetic location: 5q35.1.
Variant type: single nucleotide variant.
Coding change: c.4357G>A on transcript NM_004946.3 (MANE Select); coding-DNA position 4357, G replaced by A.
Protein change: p.Val1453Ile; replaces valine 1453 with isoleucine.
Molecular consequence: missense variant. On other transcripts: non-coding transcript variant (1).
Genome position (GRCh38, 1-based): chr5:170,056,745, G>A. VCF-style: chr5-170056745-G-A. GRCh37 (hg19) VCF-style: chr5-169483749-G-A.
Other names: c.4357G>A (NM_004946.2); short protein forms V1453I.
Identifiers: ClinVar variation 1389729 (VCV001389729.8), dbSNP rs749664205, ClinGen allele CA3554518.
Genomic context (GRCh38, chr5:170,056,745, plus strand): 5'-TTCTACAAATCCAACTACGTGCAAAGGTTCCACTACTCCCGGCCCGTGCGCAGGGGGACC[G>A]TAGACCCAGAGAATGAGTTTGCTGTGAGTATCTTCCCTACCCTTGATCATTCCCTGGAGC-3'
Protein context (NP_004937.1, residues 1443-1463): HYSRPVRRGT[Val1453Ile]DPENEFASMW